The following is an entry in ClinVar:

ClinVar aggregate classification (germline): Likely benign. Review status: criteria provided, multiple submitters, no conflicts (2 of 4 stars). 2 submissions from 2 submitters: Likely benign (2). Last evaluated 2023-05-26.

Allele frequency attached by ClinVar (database versions not stated): ExAC 0.00001; gnomAD 0.00001; gnomAD exomes 0.00001; TOPMed 0.00002.
gnomAD v4.1: 16 of 1,613,660 alleles (0.00099%); highest among the groups gnomAD compares: African/African-American, 0.004%; no homozygotes.

Submissions (2):

Labcorp Genetics (formerly Invitae), Labcorp
Classification: Likely benign. Last evaluated: 2023-05-26. Review status: criteria provided, single submitter. Criteria: Invitae Variant Classification Sherloc (09022015). Collection method: clinical testing. Allele origin: germline.

CeGaT Center for Human Genetics Tuebingen
Classification: Likely benign. Last evaluated: 2022-06-01. Review status: criteria provided, single submitter. Criteria: CeGaT Center For Human Genetics Tuebingen Variant Classification Criteria Version 2. Collection method: clinical testing. Allele origin: germline. Affected: yes. Observed: 1 variant allele.
Comment: CACNA1G: BP4, BP7

NM_018896.5(CACNA1G):c.2304C>T (p.Pro768=)

Gene: CACNA1G (calcium voltage-gated channel subunit alpha1 G; plus strand). Cytogenetic location: 17q21.33.
Variant type: single nucleotide variant.
Coding change: c.2304C>T on transcript NM_018896.5 (MANE Select); coding-DNA position 2304, C replaced by T.
Protein change: p.Pro768=; no amino-acid change (proline 768 retained).
Molecular consequence: synonymous variant. On other transcripts: non-coding transcript variant (5).
Genome position (GRCh38, 1-based): chr17:50,590,473, C>T. VCF-style: chr17-50590473-C-T. GRCh37 (hg19) VCF-style: chr17-48667834-C-T.
Other names: c.2304C>T, p.Pro768= (NM_001256324.2, NM_001256325.2, NM_001256326.2 and 24 more transcripts).
Identifiers: ClinVar variation 1896608 (VCV001896608.29), dbSNP rs745961457, ClinGen allele CA8652385.